The following is an entry in ClinVar:

ClinVar aggregate classification (germline): Uncertain significance (1 of 4 stars; one submission).

Allele frequency attached by ClinVar (database versions not stated): gnomAD 0.00001.
gnomAD v4.1: 4 of 1,582,102 alleles (0.00025%); highest among the groups gnomAD compares: Non-Finnish European, 0.00034%; no homozygotes.

Submission:

GeneDx
Classification: Uncertain significance. Last evaluated: 2022-11-21. Review status: criteria provided, single submitter. Criteria: GeneDx Variant Classification Process June 2021. Collection method: clinical testing. Allele origin: germline. Affected: yes.
Comment: Not observed at significant frequency in large population cohorts (gnomAD); In silico analysis supports that this missense variant does not alter protein structure/function; Has not been previously published as pathogenic or benign to our knowledge

NM_021926.4(ALX4):c.171C>A (p.Phe57Leu)

Gene: ALX4 (ALX homeobox 4; minus strand). Cytogenetic location: 11p11.2.
Variant type: single nucleotide variant.
Coding change: c.171C>A on transcript NM_021926.4 (MANE Select); coding-DNA position 171, C replaced by A.
Protein change: p.Phe57Leu; replaces phenylalanine 57 with leucine.
Molecular consequence: missense variant.
Genome position (GRCh38, 1-based): chr11:44,309,892, G>T on the plus strand (C>A on the coding strand, the complement: ALX4 is on the minus strand). VCF-style: chr11-44309892-G-T. GRCh37 (hg19) VCF-style: chr11-44331442-G-T.
Other names: short protein forms F57L.
Identifiers: ClinVar variation 2502576 (VCV002502576.1), dbSNP rs1956497098, ClinGen allele CA380416422.